The following is an entry in ClinVar:

ClinVar aggregate classification (germline): Uncertain significance (1 of 4 stars; one submission).

Conditions:
Inborn genetic diseases. Identifiers: MedGen C0950123, MeSH D030342.

Allele frequency attached by ClinVar (database versions not stated): gnomAD exomes below 0.00001.
gnomAD v4.1: 1 of 1,614,236 alleles (0.000062%); highest among the groups gnomAD compares: Non-Finnish European, 0.000085%; no homozygotes.

Submission:

Ambry Genetics
Classification: Uncertain significance for Inborn genetic diseases. Last evaluated: 2022-05-07. Review status: criteria provided, single submitter. Criteria: Ambry Variant Classification Scheme 2023. Collection method: clinical testing. Allele origin: germline.
Comment: The p.L70F variant (also known as c.208C>T), located in coding exon 2 of the EPAS1 gene, results from a C to T substitution at nucleotide position 208. The leucine at codon 70 is replaced by phenylalanine, an amino acid with highly similar properties. This amino acid position is conserved. In addition, this alteration is predicted to be tolerated by in silico analysis. Since supporting evidence is limited at this time, the clinical significance of this alteration remains unclear.

NM_001430.5(EPAS1):c.208C>T (p.Leu70Phe)

Gene: EPAS1 (endothelial PAS domain protein 1; plus strand). Cytogenetic location: 2p21.
Variant type: single nucleotide variant.
Coding change: c.208C>T on transcript NM_001430.5 (MANE Select); coding-DNA position 208, C replaced by T.
Protein change: p.Leu70Phe; replaces leucine 70 with phenylalanine.
Molecular consequence: missense variant.
Genome position (GRCh38, 1-based): chr2:46,347,054, C>T. VCF-style: chr2-46347054-C-T. GRCh37 (hg19) VCF-style: chr2-46574193-C-T.
Other names: short protein forms L70F.
Identifiers: ClinVar variation 1785706 (VCV001785706.2), dbSNP rs2546440128, ClinGen allele CA346697259.